The following is an entry in ClinVar:

ClinVar aggregate classification (germline): Uncertain significance (1 of 4 stars; one submission).

Submission:

GeneDx
Classification: Uncertain significance. Last evaluated: 2017-10-13. Review status: criteria provided, single submitter. Criteria: GeneDx Variant Classification (06012015). Collection method: clinical testing. Allele origin: germline. Affected: yes.
Comment: A variant of uncertain significance has been identified in the HRAS gene. The Q150X variant has not been published as a pathogenic variant, nor has it been reported as a benign variant to our knowledge. The Q150X variant is not observed in large population cohorts (Lek et al., 2016; 1000 Genomes Consortium et al., 2015; Exome Variant Server). This variant is predicted to cause loss of normal protein function through protein truncation as the last 40 amino acids of the HRAS protein are lost. However, loss-of-function variants have not been reported in the Human Gene Mutation Database in association with HRAS-related disorders (Stenson et al., 2014). Therefore, based on the currently available information, it is unclear whether this variant is a pathogenic variant or a rare benign variant.

NM_005343.4(HRAS):c.448C>T (p.Gln150Ter)

Genes: HRAS (HRas proto-oncogene, GTPase; minus strand), LRRC56 (leucine rich repeat containing 56; plus strand). Cytogenetic location: 11p15.5.
Variant type: single nucleotide variant.
Coding change: c.448C>T on transcript NM_005343.4 (MANE Select); coding-DNA position 448, C replaced by T.
Protein change: p.Gln150Ter; replaces glutamine 150 with a stop codon.
Molecular consequence: nonsense. On other transcripts: synonymous variant (1).
Genome position (GRCh38, 1-based): chr11:533,455, G>A on the plus strand (C>T on the coding strand, the complement: HRAS is on the minus strand). VCF-style: chr11-533455-G-A. GRCh37 (hg19) VCF-style: chr11-533455-G-A.
Other names: c.448C>T, p.Gln150Ter (NM_001130442.3, NM_176795.5); c.129C>T, p.Gly43= (NM_001318054.2); short protein forms Q150*.
Identifiers: ClinVar variation 424493 (VCV000424493.2), dbSNP rs1064796999, ClinGen allele CA16619347.